The following is an entry in ClinVar:

ClinVar aggregate classification (germline): Conflicting classifications of pathogenicity. Review status: criteria provided, conflicting classifications (1 of 4 stars). 2 submissions from 2 submitters: Uncertain significance (1); Likely benign (1). Last evaluated 2025-07-28.

Allele frequency attached by ClinVar (database versions not stated): ExAC 0.00003; gnomAD exomes 0.00006; TOPMed 0.00007; gnomAD 0.00010; 1000 Genomes Project 30x 0.00016; 1000 Genomes Project 0.00020.

Submissions (2):

Labcorp Genetics (formerly Invitae), Labcorp
Classification: Uncertain significance. Last evaluated: 2025-07-28. Review status: criteria provided, single submitter. Criteria: Invitae Variant Classification Sherloc (09022015). Collection method: clinical testing. Allele origin: germline.
Comment: This sequence change replaces threonine, which is neutral and polar, with methionine, which is neutral and non-polar, at codon 2689 of the VCAN protein (p.Thr2689Met). This variant is present in population databases (rs182041589, gnomAD 0.02%). This variant has not been reported in the literature in individuals affected with VCAN-related conditions. ClinVar contains an entry for this variant (Variation ID: 1435240). An algorithm developed to predict the effect of missense changes on protein structure and function outputs the following: PolyPhen-2: "Possibly Damaging". The methionine amino acid residue is found in multiple mammalian species, which suggests that this missense change does not adversely affect protein function. In summary, the available evidence is currently insufficient to determine the role of this variant in disease. Therefore, it has been classified as a Variant of Uncertain Significance.

Blueprint Genetics
Classification: Likely benign. Last evaluated: 2024-11-07. Review status: criteria provided, single submitter. Criteria: ACMG Guidelines, 2015. Collection method: clinical testing. Allele origin: germline.

NM_004385.5(VCAN):c.8066C>T (p.Thr2689Met)

Genes: VCAN (versican; plus strand), VCAN-AS1 (VCAN antisense RNA 1; minus strand). Cytogenetic location: 5q14.3.
Variant type: single nucleotide variant.
Coding change: c.8066C>T on transcript NM_004385.5 (MANE Select); coding-DNA position 8066, C replaced by T.
Protein change: p.Thr2689Met; replaces threonine 2689 with methionine.
Molecular consequence: missense variant. On other transcripts: intron variant (2).
Genome position (GRCh38, 1-based): chr5:83,541,069, C>T. VCF-style: chr5-83541069-C-T. GRCh37 (hg19) VCF-style: chr5-82836888-C-T.
Other names: c.5105C>T, p.Thr1702Met (NM_001164097.2); c.4004-4468C>T (NM_001164098.2); c.1043-4468C>T (NM_001126336.3); short protein forms T1702M, T2689M.
Identifiers: ClinVar variation 1435240 (VCV001435240.9), dbSNP rs182041589, ClinGen allele CA3333741.